The following is an entry in ClinVar:

NC_000011.9:g.(?_108098346)_(108138075_?)del

Gene: ATM (ATM serine/threonine kinase; plus strand). Cytogenetic location: 11q22.3.
Variant type: Deletion.
Identifiers: ClinVar variation 453334 (VCV000453334.7).

ClinVar aggregate classification (germline): Pathogenic (1 of 4 stars; one submission).

Conditions:
Ataxia-telangiectasia syndrome (AT). Also called: Cerebello-oculocutaneous telangiectasia; Immunodeficiency with ataxia telangiectasia; Ataxia-telangiectasia, complementation group D; AT, COMPLEMENTATION GROUP C; Ataxia-telangiectasia, complementation group E; LOUIS-BAR SYNDROME. Identifiers: Orphanet 100, MedGen C0004135, MONDO:0008840, OMIM 208900.

Submission:

Labcorp Genetics (formerly Invitae), Labcorp
Classification: Pathogenic for Ataxia-telangiectasia syndrome. Last evaluated: 2017-03-30. Review status: criteria provided, single submitter. Criteria: Invitae Variant Classification Sherloc (09022015). Collection method: clinical testing. Allele origin: germline.
Comment: For these reasons, this variant has been classified as Pathogenic. While this particular variant has not been reported in the literature, loss-of-function variants in ATM are known to be pathogenic (PMID: 25614872, 23807571). This variant is a gross deletion of the genomic region encompassing exons 2-17 of the ATM gene, which includes the initiator codon. The 5' end of this event is unknown as it extends beyond the assayed region for this gene and therefore may encompass additional genes. The 3' boundary is likely confined to intron 17 of the ATM gene. This is expected to result in an absent or disrupted protein product.

Literature cited by the submitters: PubMed 25614872; PubMed 23807571.